The following is an entry in ClinVar:

NM_000316.3(PTH1R):c.25G>A (p.Gly9Ser)

Gene: PTH1R (parathyroid hormone 1 receptor; plus strand). Cytogenetic location: 3p21.31.
Variant type: single nucleotide variant.
Coding change: c.25G>A on transcript NM_000316.3 (MANE Select); coding-DNA position 25, G replaced by A.
Protein change: p.Gly9Ser; replaces glycine 9 with serine.
Molecular consequence: missense variant.
Genome position (GRCh38, 1-based): chr3:46,883,584, G>A. VCF-style: chr3-46883584-G-A. GRCh37 (hg19) VCF-style: chr3-46925074-G-A.
Other names: c.25G>A (NM_000316.2); c.25G>A, p.Gly9Ser (NM_001184744.1); short protein forms G9S.
Identifiers: ClinVar variation 1721122 (VCV001721122.7), dbSNP rs2545000601, ClinGen allele CA352502923.

ClinVar aggregate classification (germline): Uncertain significance. Review status: criteria provided, multiple submitters, no conflicts (2 of 4 stars). 2 submissions from 2 submitters: Uncertain significance (2). Last evaluated 2023-04-11.

Conditions:
Inborn genetic diseases. Identifiers: MedGen C0950123, MeSH D030342.

Allele frequency attached by ClinVar (database versions not stated): gnomAD exomes 0.00001.
gnomAD v4.1: 12 of 1,540,434 alleles (0.00078%); highest among the groups gnomAD compares: African/African-American, 0.0014%; no homozygotes.

Submissions (2):

Ambry Genetics
Classification: Uncertain significance for Inborn genetic diseases. Last evaluated: 2023-04-11. Review status: criteria provided, single submitter. Criteria: Ambry Variant Classification Scheme 2023. Collection method: clinical testing. Allele origin: germline.

Labcorp Genetics (formerly Invitae), Labcorp
Classification: Uncertain significance. Last evaluated: 2022-10-07. Review status: criteria provided, single submitter. Criteria: Invitae Variant Classification Sherloc (09022015). Collection method: clinical testing. Allele origin: germline.
Comment: In summary, the available evidence is currently insufficient to determine the role of this variant in disease. Therefore, it has been classified as a Variant of Uncertain Significance. Algorithms developed to predict the effect of missense changes on protein structure and function output the following: SIFT: "Deleterious"; PolyPhen-2: "Benign"; Align-GVGD: "Class C55". The serine amino acid residue is found in multiple mammalian species, which suggests that this missense change does not adversely affect protein function. This variant has not been reported in the literature in individuals affected with PTH1R-related conditions. This variant is not present in population databases (gnomAD no frequency). This sequence change replaces glycine, which is neutral and non-polar, with serine, which is neutral and polar, at codon 9 of the PTH1R protein (p.Gly9Ser).